The following is an entry in ClinVar:

ClinVar aggregate classification (germline): Conflicting classifications of pathogenicity. Review status: criteria provided, conflicting classifications (1 of 4 stars). 15 submissions from 14 submitters: Uncertain significance (1); Benign (2); Likely benign (7). 5 of the submissions do not count toward it. Last evaluated 2026-05-01.

Conditions:
Autoinflammatory syndrome. Identifiers: Orphanet 93665, MedGen C3890737, MONDO:0019751.
MVK-related disorder. Also called: MVK-related condition; MVK-related disorders. Identifiers: MedGen CN239294.
Mevalonic aciduria (MEVA). Identifiers: Orphanet 29, MedGen C1959626, MONDO:0012481, OMIM 610377.
Porokeratosis 3, disseminated superficial actinic type (POROK3). Also called: POROKERATOSIS 3, MULTIPLE TYPES; POROKERATOSIS 3, MIBELLI TYPE; POROKERATOSIS, DISSEMINATED SUPERFICIAL ACTINIC, 1. Identifiers: MedGen C1867981, MONDO:0008293, OMIM 175900.
Hyperimmunoglobulin D with periodic fever (HIDS). Also called: Hyperimmunoglobulinemia D with periodic fever; HYPERIMMUNOGLOBULINEMIA D AND PERIODIC FEVER SYNDROME; Hyperimmunoglobulinemia D. Identifiers: Orphanet 343, MedGen C0398691, MONDO:0009849, OMIM 260920.

Allele frequency attached by ClinVar (database versions not stated): gnomAD exomes 0.00031 and 0.00073; ExAC 0.00072; 1000 Genomes Project 0.00200; 1000 Genomes Project 30x 0.00203; gnomAD 0.00241 and 0.00259; ESP Exome Variant Server 0.00254; TOPMed 0.00281.

Submissions (15):

CeGaT Center for Human Genetics Tuebingen
Classification: Likely benign. Last evaluated: 2026-05-01. Review status: criteria provided, single submitter. Criteria: CeGaT Center For Human Genetics Tuebingen Variant Classification Criteria Version 2. Collection method: clinical testing. Allele origin: germline. Affected: yes. Observed: 4 variant alleles.
Comment: MVK: BP4, BS2

Labcorp Genetics (formerly Invitae), Labcorp
Classification: Likely benign for Mevalonic aciduria; Hyperimmunoglobulin D with periodic fever; Porokeratosis 3, disseminated superficial actinic type. Last evaluated: 2026-01-27. Review status: criteria provided, single submitter. Criteria: Invitae Variant Classification Sherloc (09022015). Collection method: clinical testing. Allele origin: germline.

ARUP Laboratories, Molecular Genetics and Genomics, ARUP Laboratories
Classification: Likely benign. Last evaluated: 2025-04-11. Review status: criteria provided, single submitter. Criteria: ARUP Molecular Germline Variant Investigation Process 2024. Collection method: clinical testing. Allele origin: germline.

Women's Health and Genetics/Laboratory Corporation of America, LabCorp
Classification: Likely benign. Last evaluated: 2024-12-10. Review status: criteria provided, single submitter. Criteria: LabCorp Variant Classification Summary - May 2015. Collection method: clinical testing. Allele origin: germline.
Comment: Variant summary: MVK c.238G>A (p.Val80Ile) results in a conservative amino acid change in the encoded protein sequence. Five of five in-silico tools predict a benign effect of the variant on protein function. The variant allele was found at a frequency of 0.00073 in 251456 control chromosomes, predominantly at a frequency of 0.008 within the African or African-American subpopulation in the gnomAD database, including 2 homozygotes. The observed variant frequency within African or African-American control individuals in the gnomAD database exceeds the estimated maximal expected allele frequency for a pathogenic variant in MVK causing Hyperimmunoglobulin D with periodic fever phenotype. To our knowledge, no experimental evidence demonstrating its impact on protein function have been reported. ClinVar contains an entry for this variant (Variation ID: 97578). Based on the evidence outlined above, the variant was classified as likely benign.

Blueprint Genetics
Classification: Likely benign. Last evaluated: 2024-10-21. Review status: criteria provided, single submitter. Criteria: ACMG Guidelines, 2015. Collection method: clinical testing. Allele origin: germline.

Genome Diagnostics Laboratory, The Hospital for Sick Children
Classification: Likely benign for Autoinflammatory syndrome. Last evaluated: 2020-07-27. Review status: criteria provided, single submitter. Criteria: ACMG Guidelines, 2015. Collection method: clinical testing. Allele origin: germline. Affected: yes.

GeneDx
Classification: Likely benign. Last evaluated: 2020-02-07. Review status: criteria provided, single submitter. Criteria: GeneDx Variant Classification Process June 2021. Collection method: clinical testing. Allele origin: germline. Affected: yes.
Comment: This variant is associated with the following publications: (PMID: 26299986)

Illumina Laboratory Services, Illumina
Classification: Benign for Mevalonic aciduria. Last evaluated: 2017-04-28. Review status: criteria provided, single submitter. Criteria: ICSL Variant Classification Criteria 13 December 2019. Collection method: clinical testing. Allele origin: germline.
Comment: This variant was observed as part of a predisposition screen in an ostensibly healthy population. A literature search was performed for the gene, cDNA change, and amino acid change (where applicable). No publications were found based on this search. Allele frequency data from public databases was too high to be consistent with this variant causing disease. Therefore, this variant is classified as benign.

Illumina Laboratory Services, Illumina
Classification: Benign for Hyperimmunoglobulin D with periodic fever. Last evaluated: 2017-04-28. Review status: criteria provided, single submitter. Criteria: ICSL Variant Classification Criteria 13 December 2019. Collection method: clinical testing. Allele origin: germline.
Comment: This variant was observed as part of a predisposition screen in an ostensibly healthy population. A literature search was performed for the gene, cDNA change, and amino acid change (where applicable). Publications were found based on this search. The evidence from the literature, in combination with allele frequency data from public databases where available, was sufficient to rule this variant out of causing disease. Therefore, this variant is classified as benign.

Eurofins Ntd Llc (ga)
Classification: Uncertain significance. Last evaluated: 2016-08-23. Review status: criteria provided, single submitter. Criteria: EGL Classification Definitions 2015. Collection method: clinical testing. Allele origin: germline. Observed: 1 variant allele, 1 heterozygote.

PreventionGenetics, part of Exact Sciences
Classification: Likely benign for MVK-related condition. Last evaluated: 2022-05-16. Review status: no assertion criteria provided. Collection method: clinical testing. Allele origin: germline. Not counted in ClinVar's aggregate classification.
Comment: This variant is classified as likely benign based on ACMG/AMP sequence variant interpretation guidelines (Richards et al. 2015 PMID: 25741868, with internal and published modifications).

Clinical Genetics DNA and cytogenetics Diagnostics Lab, Erasmus MC, Erasmus Medical Center
Classification: Likely benign. Review status: no assertion criteria provided. Collection method: clinical testing. Allele origin: germline. Affected: yes. Study: VKGL Data-share Consensus. Not counted in ClinVar's aggregate classification.

Clinical Genetics, Academic Medical Center
Classification: Likely benign. Review status: no assertion criteria provided. Collection method: clinical testing. Allele origin: germline. Affected: yes. Study: VKGL Data-share Consensus. Not counted in ClinVar's aggregate classification.

Genome Diagnostics Laboratory, University Medical Center Utrecht
Classification: Likely benign. Review status: no assertion criteria provided. Collection method: clinical testing. Allele origin: germline. Affected: yes. Study: VKGL Data-share Consensus. Not counted in ClinVar's aggregate classification.

Unité médicale des maladies autoinflammatoires, CHRU Montpellier
No classification provided. Condition: Hyperimmunoglobulin D with periodic fever. Review status: no classification provided. Collection method: not provided. Allele origin: unknown. Not counted in ClinVar's aggregate classification.
Comment: also involved in OMIM 25117

Literature cited by the submitters: PubMed 26299986 (cited by Illumina Laboratory Services, Illumina).

NM_000431.4(MVK):c.238G>A (p.Val80Ile)

Gene: MVK (mevalonate kinase; plus strand). Cytogenetic location: 12q24.11.
Variant type: single nucleotide variant.
Coding change: c.238G>A on transcript NM_000431.4 (MANE Select); coding-DNA position 238, G replaced by A.
Protein change: p.Val80Ile; replaces valine 80 with isoleucine.
Molecular consequence: missense variant.
Genome position (GRCh38, 1-based): chr12:109,579,813, G>A. VCF-style: chr12-109579813-G-A. GRCh37 (hg19) VCF-style: chr12-110017618-G-A.
Other names: c.238G>A (LRG_156t1); c.238G>A, p.Val80Ile (NM_001114185.3, NM_001301182.2); short protein forms V80I.
Identifiers: ClinVar variation 97578 (VCV000097578.68), dbSNP rs76914224, ClinGen allele CA149807.